The following is an entry in ClinVar:

ClinVar aggregate classification (germline): Uncertain significance (1 of 4 stars; one submission).

Conditions:
Cardiovascular phenotype. Identifiers: MedGen CN230736.

Submission:

Ambry Genetics
Classification: Uncertain significance for Cardiovascular phenotype. Last evaluated: 2021-03-03. Review status: criteria provided, single submitter. Criteria: Ambry Variant Classification Scheme 2023. Collection method: clinical testing. Allele origin: germline.
Comment: The p.G594V variant (also known as c.1781G>T), located in coding exon 7 of the KCNH2 gene, results from a G to T substitution at nucleotide position 1781. The glycine at codon 594 is replaced by valine, an amino acid with dissimilar properties, and is located in the transmembrane-spanning S5/pore region. Internal structural analysis suggests that this alteration has a deleterious impact on protein structure; however, the clinical significance of the impact is as yet unclear (Ambry internal data). This amino acid position is highly conserved in available vertebrate species. In addition, this alteration is predicted to be deleterious by in silico analysis. Since supporting evidence is limited at this time, the clinical significance of this alteration remains unclear.

NM_000238.4(KCNH2):c.1781G>T (p.Gly594Val)

Gene: KCNH2 (potassium voltage-gated channel subfamily H member 2; minus strand). Cytogenetic location: 7q36.1.
Variant type: single nucleotide variant.
Coding change: c.1781G>T on transcript NM_000238.4 (MANE Select); coding-DNA position 1781, G replaced by T.
Protein change: p.Gly594Val; replaces glycine 594 with valine.
Molecular consequence: missense variant.
Genome position (GRCh38, 1-based): chr7:150,951,612, C>A on the plus strand (G>T on the coding strand, the complement: KCNH2 is on the minus strand). VCF-style: chr7-150951612-C-A. GRCh37 (hg19) VCF-style: chr7-150648700-C-A.
Other names: c.761G>T, p.Gly254Val (NM_001204798.2, NM_172057.3); c.1493G>T, p.Gly498Val (NM_001406753.1, NM_001406756.1); c.1604G>T, p.Gly535Val (NM_001406755.1); c.1481G>T, p.Gly494Val (NM_001406757.1); c.1781G>T, p.Gly594Val (NM_172056.3); short protein forms G254V, G494V, G535V, G594V, G498V.
Identifiers: ClinVar variation 1780010 (VCV001780010.2), dbSNP rs199472931, ClinGen allele CA369858078.